The following is an entry in ClinVar:

ClinVar aggregate classification (germline): Likely benign (1 of 4 stars; one submission).

gnomAD v4.1: 6 of 1,613,790 alleles (0.00037%); highest among the groups gnomAD compares: Non-Finnish European, 0.00051%; no homozygotes.

Submission:

CeGaT Center for Human Genetics Tuebingen
Classification: Likely benign. Last evaluated: 2026-02-01. Review status: criteria provided, single submitter. Criteria: CeGaT Center For Human Genetics Tuebingen Variant Classification Criteria Version 2. Collection method: clinical testing. Allele origin: germline. Affected: yes. Observed: 1 variant allele.
Comment: MFF: BP4, BP7

NM_001277062.2(MFF):c.561A>G (p.Ala187=)

Gene: MFF (mitochondrial fission factor; plus strand). Cytogenetic location: 2q36.3.
Variant type: single nucleotide variant.
Coding change: c.561A>G on transcript NM_001277062.2 (MANE Select); coding-DNA position 561, A replaced by G.
Protein change: p.Ala187=; no amino-acid change (alanine 187 retained).
Molecular consequence: synonymous variant. On other transcripts: intron variant (4).
Genome position (GRCh38, 1-based): chr2:227,347,346, A>G. VCF-style: chr2-227347346-A-G. GRCh37 (hg19) VCF-style: chr2-228212062-A-G.
Other names: c.714A>G, p.Ala238= (NM_001277061.2, NM_020194.5); c.411A>G, p.Ala137= (NM_001277067.1); c.444A>G, p.Ala148= (NM_001277068.1); c.515+4527A>G (NM_001277063.2); c.441-5168A>G (NM_001277064.2); c.440+6966A>G (NM_001277065.2, NM_001277066.2).
Identifiers: ClinVar variation 4821468 (VCV004821468.4).